The following is an entry in ClinVar:

NM_000885.6(ITGA4):c.2471T>C (p.Val824Ala)

Gene: ITGA4 (integrin subunit alpha 4; plus strand). Cytogenetic location: 2q31.3.
Variant type: single nucleotide variant.
Coding change: c.2471T>C on transcript NM_000885.6 (MANE Select); coding-DNA position 2471, T replaced by C.
Protein change: p.Val824Ala; replaces valine 824 with alanine.
Molecular consequence: missense variant.
Genome position (GRCh38, 1-based): chr2:181,529,581, T>C. VCF-style: chr2-181529581-T-C. GRCh37 (hg19) VCF-style: chr2-182394308-T-C.
Other names: short protein forms V824A.
Identifiers: ClinVar variation 218473 (VCV000218473.19), dbSNP rs1143675, ClinGen allele CA249020.
Genomic context (GRCh38, chr2:181,529,581, plus strand): 5'-AAATTTTTCCTTCTTATCAGGTTATCAACACTGGCAATAGTATGGCTCCCAATGTTAGTG[T>C]GGAAATAATGGTACCAAATTCTTTTAGCCCCCAAACTGATAAGCTGTTCAACATTTTGGA-3'
Protein context (NP_000876.3, residues 814-834): TGNSMAPNVS[Val824Ala]EIMVPNSFSP

ClinVar aggregate classification (germline): Conflicting classifications of pathogenicity. Review status: criteria provided, conflicting classifications (1 of 4 stars). 4 submissions from 4 submitters: Uncertain significance (1); Likely benign (2). 1 of the submissions does not count toward it. Last evaluated 2025-02-01.

Conditions:
ITGA4-related disorder. Also called: ITGA4-related condition.

Allele frequency attached by ClinVar (database versions not stated): gnomAD exomes 0.00813 and 0.00453; 1000 Genomes Project 0.00200; 1000 Genomes Project 30x 0.00219; ExAC 0.00443; TOPMed 0.00488; ESP Exome Variant Server 0.00508; gnomAD 0.00546 and 0.00556.
gnomAD v4.1: 12,588 of 1,610,580 alleles (0.78%); highest among the groups gnomAD compares: Non-Finnish European, 0.97%; 55 homozygotes.

Submissions (4):

CeGaT Center for Human Genetics Tuebingen
Classification: Likely benign. Last evaluated: 2025-02-01. Review status: criteria provided, single submitter. Criteria: CeGaT Center For Human Genetics Tuebingen Variant Classification Criteria Version 2. Collection method: clinical testing. Allele origin: germline. Affected: yes. Observed: 1 variant allele.
Comment: ITGA4: BP4, BS2

Labcorp Genetics (formerly Invitae), Labcorp
Classification: Likely benign. Last evaluated: 2018-08-09. Review status: criteria provided, single submitter. Criteria: Invitae Variant Classification Sherloc (09022015). Collection method: clinical testing. Allele origin: germline.

Genomic Diagnostic Laboratory, Division of Genomic Diagnostics, Children's Hospital of Philadelphia
Classification: Uncertain significance. Last evaluated: 2015-06-11. Review status: criteria provided, single submitter. Criteria: DGD Variant Analysis Guidelines. Collection method: clinical testing. Allele origin: unknown.

PreventionGenetics, part of Exact Sciences
Classification: Likely benign for ITGA4-related condition. Last evaluated: 2022-04-22. Review status: no assertion criteria provided. Collection method: clinical testing. Allele origin: germline. Not counted in ClinVar's aggregate classification.
Comment: This variant is classified as likely benign based on ACMG/AMP sequence variant interpretation guidelines (Richards et al. 2015 PMID: 25741868, with internal and published modifications).